The following is an entry in ClinVar:

NM_001933.5(DLST):c.766A>G (p.Met256Val)

Gene: DLST (dihydrolipoamide S-succinyltransferase; plus strand). Cytogenetic location: 14q24.3.
Variant type: single nucleotide variant.
Coding change: c.766A>G on transcript NM_001933.5 (MANE Select); coding-DNA position 766, A replaced by G.
Protein change: p.Met256Val; replaces methionine 256 with valine.
Molecular consequence: missense variant. On other transcripts: non-coding transcript variant (2).
Genome position (GRCh38, 1-based): chr14:74,894,405, A>G. VCF-style: chr14-74894405-A-G. GRCh37 (hg19) VCF-style: chr14-75361108-A-G.
Other names: short protein forms M256V.
Identifiers: ClinVar variation 2607759 (VCV002607759.4), dbSNP rs367789450, ClinGen allele CA7273625.

ClinVar aggregate classification (germline): Uncertain significance. Review status: criteria provided, multiple submitters, no conflicts (2 of 4 stars). 2 submissions from 2 submitters: Uncertain significance (2). Last evaluated 2024-06-17.

Allele frequency attached by ClinVar (database versions not stated): gnomAD exomes below 0.00001; gnomAD 0.00001; TOPMed 0.00002; ExAC 0.00003; ESP Exome Variant Server 0.00008.
gnomAD v4.1: 10 of 1,614,030 alleles (0.00062%); highest among the groups gnomAD compares: East Asian, 0.0067%; no homozygotes.

Submissions (2):

Labcorp Genetics (formerly Invitae), Labcorp
Classification: Uncertain significance. Last evaluated: 2024-06-17. Review status: criteria provided, single submitter. Criteria: Invitae Variant Classification Sherloc (09022015). Collection method: clinical testing. Allele origin: germline.
Comment: This sequence change replaces methionine, which is neutral and non-polar, with valine, which is neutral and non-polar, at codon 256 of the DLST protein (p.Met256Val). This variant is present in population databases (rs367789450, gnomAD 0.02%). This variant has not been reported in the literature in individuals affected with DLST-related conditions. ClinVar contains an entry for this variant (Variation ID: 2607759). Advanced modeling of protein sequence and biophysical properties (such as structural, functional, and spatial information, amino acid conservation, physicochemical variation, residue mobility, and thermodynamic stability) performed at Invitae indicates that this missense variant is not expected to disrupt DLST protein function with a negative predictive value of 80%. In summary, the available evidence is currently insufficient to determine the role of this variant in disease. Therefore, it has been classified as a Variant of Uncertain Significance.

Ambry Genetics
Classification: Uncertain significance. Last evaluated: 2023-06-29. Review status: criteria provided, single submitter. Criteria: Ambry Variant Classification Scheme 2023. Collection method: clinical testing. Allele origin: germline.